The following is an entry in ClinVar:

ClinVar aggregate classification (germline): Uncertain significance (1 of 4 stars; one submission).

Conditions:
Cranioectodermal dysplasia 2 (CED2). Identifiers: Orphanet 1515, MedGen C3150874, MONDO:0013323, OMIM 613610.
Short-rib thoracic dysplasia 7 with or without polydactyly (SRTD7). Also called: Short rib polydactyly syndrome 5; SHORT-RIB THORACIC DYSPLASIA 7 WITH POLYDACTYLY. Identifiers: Orphanet 498497, Orphanet 93271, MedGen C3279792, MONDO:0013569, OMIM 614091.

Allele frequency attached by ClinVar (database versions not stated): gnomAD exomes 0.00001 and 0.00003; TOPMed 0.00001; ExAC 0.00002; gnomAD 0.00002; ESP Exome Variant Server 0.00008.
gnomAD v4.1: 45 of 1,613,248 alleles (0.0028%); highest among the groups gnomAD compares: Non-Finnish European, 0.0037%; no homozygotes.

Submission:

Labcorp Genetics (formerly Invitae), Labcorp
Classification: Uncertain significance for Cranioectodermal dysplasia 2; Short-rib thoracic dysplasia 7 with or without polydactyly. Last evaluated: 2021-03-10. Review status: criteria provided, single submitter. Criteria: Invitae Variant Classification Sherloc (09022015). Collection method: clinical testing. Allele origin: germline.
Comment: This sequence change replaces tyrosine with cysteine at codon 920 of the WDR35 protein (p.Tyr920Cys). The tyrosine residue is highly conserved and there is a large physicochemical difference between tyrosine and cysteine. This variant is present in population databases (rs369793891, ExAC 0.003%). This variant has not been reported in the literature in individuals with WDR35-related conditions. Algorithms developed to predict the effect of missense changes on protein structure and function (SIFT, PolyPhen-2, Align-GVGD) all suggest that this variant is likely to be disruptive, but these predictions have not been confirmed by published functional studies and their clinical significance is uncertain. In summary, the available evidence is currently insufficient to determine the role of this variant in disease. Therefore, it has been classified as a Variant of Uncertain Significance.

NM_020779.4(WDR35):c.2726A>G (p.Tyr909Cys)

Gene: WDR35 (WD repeat domain 35; minus strand). Cytogenetic location: 2p24.1.
Variant type: single nucleotide variant.
Coding change: c.2726A>G on transcript NM_020779.4 (MANE Select); coding-DNA position 2726, A replaced by G.
Protein change: p.Tyr909Cys; replaces tyrosine 909 with cysteine.
Molecular consequence: missense variant.
Genome position (GRCh38, 1-based): chr2:19,932,380, T>C on the plus strand (A>G on the coding strand, the complement: WDR35 is on the minus strand). VCF-style: chr2-19932380-T-C. GRCh37 (hg19) VCF-style: chr2-20132141-T-C.
Other names: c.2759A>G, p.Tyr920Cys (NM_001006657.2); short protein forms Y909C, Y920C.
Identifiers: ClinVar variation 1380976 (VCV001380976.8), dbSNP rs369793891, ClinGen allele CA1542852.